The following is an entry in ClinVar:

NM_025099.6(CTC1):c.547G>A (p.Asp183Asn)

Gene: CTC1 (CST telomere replication complex component 1; minus strand). Cytogenetic location: 17p13.1.
Variant type: single nucleotide variant.
Coding change: c.547G>A on transcript NM_025099.6 (MANE Select); coding-DNA position 547, G replaced by A.
Protein change: p.Asp183Asn; replaces aspartic acid 183 with asparagine.
Molecular consequence: missense variant. On other transcripts: non-coding transcript variant (1).
Genome position (GRCh38, 1-based): chr17:8,238,131, C>T on the plus strand (G>A on the coding strand, the complement: CTC1 is on the minus strand). VCF-style: chr17-8238131-C-T. GRCh37 (hg19) VCF-style: chr17-8141449-C-T.
Other names: short protein forms D183N.
Identifiers: ClinVar variation 662782 (VCV000662782.8), dbSNP rs751596403, ClinGen allele CA8372611.

ClinVar aggregate classification (germline): Uncertain significance (1 of 4 stars; one submission).

Conditions:
Dyskeratosis congenita. Identifiers: Orphanet 1775, MedGen C0265965, MONDO:0015780.

Allele frequency attached by ClinVar (database versions not stated): ExAC 0.00001.

Submission:

Labcorp Genetics (formerly Invitae), Labcorp
Classification: Uncertain significance for Dyskeratosis congenita. Last evaluated: 2022-09-15. Review status: criteria provided, single submitter. Criteria: Invitae Variant Classification Sherloc (09022015). Collection method: clinical testing. Allele origin: germline.
Comment: This variant is present in population databases (rs751596403, gnomAD 0.0009%). This sequence change replaces aspartic acid, which is acidic and polar, with asparagine, which is neutral and polar, at codon 183 of the CTC1 protein (p.Asp183Asn). This variant has not been reported in the literature in individuals affected with CTC1-related conditions. ClinVar contains an entry for this variant (Variation ID: 662782). Advanced modeling of protein sequence and biophysical properties (such as structural, functional, and spatial information, amino acid conservation, physicochemical variation, residue mobility, and thermodynamic stability) performed at Invitae indicates that this missense variant is not expected to disrupt CTC1 protein function. In summary, the available evidence is currently insufficient to determine the role of this variant in disease. Therefore, it has been classified as a Variant of Uncertain Significance.